The following is an entry in ClinVar:

ClinVar aggregate classification (germline): Uncertain significance (1 of 4 stars; one submission).

Conditions:
Stormorken syndrome (STRMK). Also called: THROMBOCYTOPATHY, ASPLENIA, AND MIOSIS. Identifiers: Orphanet 3204, MedGen C1861451, MONDO:0008497, OMIM 185070.
Myopathy with tubular aggregates (TAM). Also called: Tubular Aggregate Myopathy. Identifiers: Orphanet 2593, MedGen C0410207, MONDO:0008051.
Combined immunodeficiency due to STIM1 deficiency. Also called: IMMUNODEFICIENCY 10; STIM1 DEFICIENCY. Identifiers: Orphanet 169090, Orphanet 317430, MedGen C2748557, MONDO:0013008, OMIM 612783.

gnomAD v4.1: 1 of 1,614,034 alleles (0.000062%); no homozygotes.

Submission:

Labcorp Genetics (formerly Invitae), Labcorp
Classification: Uncertain significance for Myopathy with tubular aggregates; Combined immunodeficiency due to STIM1 deficiency; Stormorken syndrome. Last evaluated: 2025-02-03. Review status: criteria provided, single submitter. Criteria: Invitae Variant Classification Sherloc (09022015). Collection method: clinical testing. Allele origin: germline.
Comment: This sequence change replaces asparagine, which is neutral and polar, with serine, which is neutral and polar, at codon 39 of the STIM1 protein (p.Asn39Ser). This variant is not present in population databases (gnomAD no frequency). This variant has not been reported in the literature in individuals affected with STIM1-related conditions. ClinVar contains an entry for this variant (Variation ID: 1475505). Invitae Evidence Modeling of protein sequence and biophysical properties (such as structural, functional, and spatial information, amino acid conservation, physicochemical variation, residue mobility, and thermodynamic stability) indicates that this missense variant is not expected to disrupt STIM1 protein function with a negative predictive value of 95%. In summary, the available evidence is currently insufficient to determine the role of this variant in disease. Therefore, it has been classified as a Variant of Uncertain Significance.

NM_001382567.1(STIM1):c.116A>G (p.Asn39Ser)

Gene: STIM1 (stromal interaction molecule 1; plus strand). Cytogenetic location: 11p15.4.
Variant type: single nucleotide variant.
Coding change: c.116A>G on transcript NM_001382567.1 (MANE Select); coding-DNA position 116, A replaced by G.
Protein change: p.Asn39Ser; replaces asparagine 39 with serine.
Molecular consequence: missense variant. On other transcripts: 5 prime UTR variant (1), non-coding transcript variant (3), intron variant (10).
Genome position (GRCh38, 1-based): chr11:3,856,386, A>G. VCF-style: chr11-3856386-A-G. GRCh37 (hg19) VCF-style: chr11-3877616-A-G.
Other names: c.116A>G, p.Asn39Ser (NM_001277961.3, NM_001277962.2, NM_001382568.1 and 3 more transcripts); c.112A>G, p.Thr38Ala (NM_001382569.1); c.-122A>G (NM_001382571.1); c.-84+1650A>G (NM_001382578.1, NM_001382575.1, NM_001382574.1); c.-220+1650A>G (NM_001382580.1, NM_001382581.1); c.-84+1732A>G (NM_001382576.1); c.-84+970A>G (NM_001382566.1, NM_001382579.1, NM_001382577.1 and 1 more transcripts); short protein forms N39S, T38A.
Identifiers: ClinVar variation 1475505 (VCV001475505.8), dbSNP rs2135171193, ClinGen allele CA379196511.